The following is an entry in ClinVar:

NM_201384.3(PLEC):c.2069G>C (p.Arg690Pro)

Gene: PLEC (plectin; minus strand). Cytogenetic location: 8q24.3.
Variant type: single nucleotide variant.
Coding change: c.2069G>C on transcript NM_201384.3 (MANE Select); coding-DNA position 2069, G replaced by C.
Protein change: p.Arg690Pro; replaces arginine 690 with proline.
Molecular consequence: missense variant.
Genome position (GRCh38, 1-based): chr8:143,932,143, C>G on the plus strand (G>C on the coding strand, the complement: PLEC is on the minus strand). VCF-style: chr8-143932143-C-G. GRCh37 (hg19) VCF-style: chr8-145006311-C-G.
Other names: c.2150G>C, p.Arg717Pro (NM_000445.5, NM_001410941.1); c.2027G>C, p.Arg676Pro (NM_201378.4); c.2003G>C, p.Arg668Pro (NM_201379.3); c.2480G>C, p.Arg827Pro (NM_201380.4); c.1973G>C, p.Arg658Pro (NM_201381.3); c.2069G>C, p.Arg690Pro (NM_201382.4); c.2081G>C, p.Arg694Pro (NM_201383.3); short protein forms R658P, R676P, R717P, R827P, R668P, R690P, R694P.
Identifiers: ClinVar variation 4793278 (VCV004793278.1).

ClinVar aggregate classification (germline): Uncertain significance (1 of 4 stars; one submission).

Conditions:
Epidermolysis bullosa simplex 5B, with muscular dystrophy (EBS5B). Also called: EPIDERMOLYSIS BULLOSA SIMPLEX AND LIMB-GIRDLE MUSCULAR DYSTROPHY; Epidermolysis bullosa simplex with muscular dystrophy. Identifiers: Orphanet 257, MedGen C2931072, MONDO:0009181, OMIM 226670.
Epidermolysis bullosa simplex, Ogna type (EBS5A). Also called: Pidermolysis bullosa simplex 5A, Ogna type; EPIDERMOLYSIS BULLOSA SIMPLEX 5A, OGNA TYPE. Identifiers: Orphanet 79401, MedGen C0432317, MONDO:0007555, OMIM 131950.
Epidermolysis bullosa simplex 5C, with pyloric atresia (EBS5C). Also called: Epidermolysis bullosa simplex with pyloric atresia; PLEC-Related Epidermolysis Bullosa with Pyloric Atresia; PLEC1-Related Epidermolysis Bullosa with Pyloric Atresia. Identifiers: Orphanet 158684, MedGen C2677349, MONDO:0012807, OMIM 612138.
Autosomal recessive limb-girdle muscular dystrophy type 2Q (LGMDR17). Also called: MUSCULAR DYSTROPHY, LIMB-GIRDLE, AUTOSOMAL RECESSIVE 17. Identifiers: Orphanet 254361, MedGen C3150989, MONDO:0013390, OMIM 613723.
Epidermolysis bullosa simplex with nail dystrophy (EBS5D). Identifiers: MedGen C4225309, MONDO:0014661, OMIM 616487.

Submission:

Labcorp Genetics (formerly Invitae), Labcorp
Classification: Uncertain significance for Autosomal recessive limb-girdle muscular dystrophy type 2Q; Epidermolysis bullosa simplex, Ogna type; Epidermolysis bullosa simplex with nail dystrophy; Epidermolysis bullosa simplex 5C, with pyloric atresia; Epidermolysis bullosa simplex 5B, with muscular dystrophy. Last evaluated: 2025-04-23. Review status: criteria provided, single submitter. Criteria: Invitae Variant Classification Sherloc (09022015). Collection method: clinical testing. Allele origin: germline.
Comment: This sequence change replaces arginine, which is basic and polar, with proline, which is neutral and non-polar, at codon 717 of the PLEC protein (p.Arg717Pro). This variant is present in population databases (rs781917708, gnomAD 0.001%). This variant has not been reported in the literature in individuals affected with PLEC-related conditions. Invitae Evidence Modeling of protein sequence and biophysical properties (such as structural, functional, and spatial information, amino acid conservation, physicochemical variation, residue mobility, and thermodynamic stability) indicates that this missense variant is not expected to disrupt PLEC protein function with a negative predictive value of 80%. In summary, the available evidence is currently insufficient to determine the role of this variant in disease. Therefore, it has been classified as a Variant of Uncertain Significance.